The following is an entry in ClinVar:

ClinVar aggregate classification (germline): Uncertain significance (1 of 4 stars; one submission).

Allele frequency attached by ClinVar (database versions not stated): TOPMed below 0.00001; gnomAD exomes 0.00001.
gnomAD v4.1: 6 of 1,613,922 alleles (0.00037%); highest among the groups gnomAD compares: Non-Finnish European, 0.00051%; no homozygotes.

Submission:

Labcorp Genetics (formerly Invitae), Labcorp
Classification: Uncertain significance. Last evaluated: 2023-10-14. Review status: criteria provided, single submitter. Criteria: Invitae Variant Classification Sherloc (09022015). Collection method: clinical testing. Allele origin: germline.
Comment: This sequence change replaces proline, which is neutral and non-polar, with threonine, which is neutral and polar, at codon 382 of the FOXP1 protein (p.Pro382Thr). This variant is present in population databases (no rsID available, gnomAD 0.0009%). This variant has not been reported in the literature in individuals affected with FOXP1-related conditions. An algorithm developed to predict the effect of missense changes on protein structure and function (PolyPhen-2) suggests that this variant is likely to be tolerated. In summary, the available evidence is currently insufficient to determine the role of this variant in disease. Therefore, it has been classified as a Variant of Uncertain Significance.

NM_001349338.3(FOXP1):c.1144C>A (p.Pro382Thr)

Gene: FOXP1 (forkhead box P1; minus strand). Cytogenetic location: 3p13.
Variant type: single nucleotide variant.
Coding change: c.1144C>A on transcript NM_001349338.3 (MANE Select); coding-DNA position 1144, C replaced by A.
Protein change: p.Pro382Thr; replaces proline 382 with threonine.
Molecular consequence: missense variant. On other transcripts: non-coding transcript variant (2).
Genome position (GRCh38, 1-based): chr3:70,987,996, G>T on the plus strand (C>A on the coding strand, the complement: FOXP1 is on the minus strand). VCF-style: chr3-70987996-G-T. GRCh37 (hg19) VCF-style: chr3-71037147-G-T.
Other names: c.1144C>A, p.Pro382Thr (NM_001244808.3, NM_001244810.2, NM_001244814.3 and 4 more transcripts); c.916C>A, p.Pro306Thr (NM_001244812.3); c.844C>A, p.Pro282Thr (NM_001244813.3, NM_001244815.2, NM_001349342.3 and 1 more transcripts); c.841C>A, p.Pro281Thr (NM_001349337.2, NM_001349343.3, NM_001349344.3); c.1141C>A, p.Pro381Thr (NM_001349341.3); short protein forms P282T, P306T, P381T, P382T, P281T.
Identifiers: ClinVar variation 2768492 (VCV002768492.3), dbSNP rs1429421933, ClinGen allele CA353494589.